The following is an entry in ClinVar:

ClinVar aggregate classification (germline): Uncertain significance (1 of 4 stars; one submission).

Conditions:
Immunodeficiency due to CD25 deficiency. Also called: IL2RA DEFICIENCY; IMMUNODEFICIENCY 41 WITH LYMPHOPROLIFERATION AND AUTOIMMUNITY; CD25 DEFICIENCY. Identifiers: Orphanet 169100, MedGen C1853392, MONDO:0011664, OMIM 606367.

Allele frequency attached by ClinVar (database versions not stated): gnomAD exomes below 0.00001; TOPMed below 0.00001.
gnomAD v4.1: 1 of 1,613,966 alleles (0.000062%); highest among the groups gnomAD compares: Admixed American, 0.0017%; no homozygotes.

Submission:

Labcorp Genetics (formerly Invitae), Labcorp
Classification: Uncertain significance for Immunodeficiency due to CD25 deficiency. Last evaluated: 2020-12-30. Review status: criteria provided, single submitter. Criteria: Invitae Variant Classification Sherloc (09022015). Collection method: clinical testing. Allele origin: germline.
Comment: In summary, the available evidence is currently insufficient to determine the role of this variant in disease. Therefore, it has been classified as a Variant of Uncertain Significance. Algorithms developed to predict the effect of missense changes on protein structure and function are either unavailable or do not agree on the potential impact of this missense change (SIFT: "Deleterious"; PolyPhen-2: "Probably Damaging"; Align-GVGD: "Class C0"). This variant has not been reported in the literature in individuals with IL2RA-related conditions. This variant is present in population databases (rs765403608, ExAC 0.02%). This sequence change replaces glutamine with histidine at codon 151 of the IL2RA protein (p.Gln151His). The glutamine residue is moderately conserved and there is a small physicochemical difference between glutamine and histidine.

NM_000417.3(IL2RA):c.453G>T (p.Gln151His)

Gene: IL2RA (interleukin 2 receptor subunit alpha; minus strand). Cytogenetic location: 10p15.1.
Variant type: single nucleotide variant.
Coding change: c.453G>T on transcript NM_000417.3 (MANE Select); coding-DNA position 453, G replaced by T.
Protein change: p.Gln151His; replaces glutamine 151 with histidine.
Molecular consequence: missense variant. On other transcripts: intron variant (2).
Genome position (GRCh38, 1-based): chr10:6,021,608, C>A on the plus strand (G>T on the coding strand, the complement: IL2RA is on the minus strand). VCF-style: chr10-6021608-C-A. GRCh37 (hg19) VCF-style: chr10-6063571-C-A.
Other names: c.368-2109G>T (NM_001308243.2); c.368-1667G>T (NM_001308242.2); short protein forms Q151H.
Identifiers: ClinVar variation 1042456 (VCV001042456.8), dbSNP rs765403608, ClinGen allele CA5397443.